The following is an entry in ClinVar:

NM_000093.5(COL5A1):c.2784del (p.Lys929fs)

Gene: COL5A1 (collagen type V alpha 1 chain; plus strand). Cytogenetic location: 9q34.3.
Variant type: Deletion.
Coding change: c.2784del on transcript NM_000093.5 (MANE Select); coding-DNA position 2784, one base deleted (G; older notation c.2784delG).
Protein change: p.Lys929fs; shifts the reading frame from lysine 929.
Molecular consequence: frameshift variant.
Genome position (GRCh38, 1-based): chr9:134,795,300, G deleted; the last of 3 consecutive G bases (chr9:134,795,298-134,795,300); deleting any one gives the same sequence. VCF-style (leftmost placement, unchanged base first): chr9-134795297-TG-T. GRCh37 (hg19) VCF-style: chr9-137687143-TG-T.
Other names: c.2784del, p.Lys929fs (NM_001278074.1); short protein forms K929fs.
Identifiers: ClinVar variation 213032 (VCV000213032.2), dbSNP rs863223472, ClinGen allele CA322245.

ClinVar aggregate classification (germline): Pathogenic (1 of 4 stars; one submission).

Submission:

GeneDx
Classification: Pathogenic. Last evaluated: 2014-02-23. Review status: criteria provided, single submitter. Criteria: GeneDx Variant Classification (06012015). Collection method: clinical testing. Allele origin: germline. Affected: yes.
Comment: Although the c.2784delG pathogenic variant in the COL5A1 gene has not been reported to our knowledge, this variant causes a shift in reading frame starting at codon Lysine 929, changing it to a Serine, and creating a premature stop codon at position 145 of the new reading frame, denoted p.Lys929SerfsX145. This variant is expected to result in either an abnormal, truncated protein product or loss of protein from this allele through nonsense-mediated mRNA decay. Other frameshift variants in the COL5A1 gene have been reported in association with classic-type EDS. In summary, c.2784delG in the COL5A1 gene is interpreted as a pathogenic variant.